The following is an entry in ClinVar:

NM_005591.4(MRE11):c.1551T>G (p.Asp517Glu)

Gene: MRE11 (MRE11 double strand break repair nuclease; minus strand). Cytogenetic location: 11q21.
Variant type: single nucleotide variant.
Coding change: c.1551T>G on transcript NM_005591.4 (MANE Select); coding-DNA position 1551, T replaced by G.
Protein change: p.Asp517Glu; replaces aspartic acid 517 with glutamic acid.
Molecular consequence: missense variant.
Genome position (GRCh38, 1-based): chr11:94,456,288, A>C on the plus strand (T>G on the coding strand, the complement: MRE11 is on the minus strand). VCF-style: chr11-94456288-A-C. GRCh37 (hg19) VCF-style: chr11-94189454-A-C.
Other names: c.1551T>G, p.Asp517Glu (NM_001330347.2, NM_005590.4); short protein forms D517E.
Identifiers: ClinVar variation 466432 (VCV000466432.10), dbSNP rs1555008221, ClinGen allele CA382370690.
Genomic context (GRCh38, chr11:94,456,288, plus strand): 5'-TTTAAGAAAGTGATATATAAACACAAGAATTTGCAGCAGAATAATTACCTCACGGACTTC[A>C]TCATCTTCTTCATTAGTATTTTTTTGTCTGGTTTCTCTGAAACGACGTACCTAGATCATA-3'
Protein context (NP_005582.1, residues 507-527): TRQKNTNEED[Asp517Glu]EVREAMTRAR

ClinVar aggregate classification (germline): Uncertain significance. Review status: criteria provided, multiple submitters, no conflicts (2 of 4 stars). 2 submissions from 2 submitters: Uncertain significance (2). Last evaluated 2025-08-02.

Conditions:
Ataxia-telangiectasia-like disorder (ATLD). Identifiers: MedGen C1858391, MONDO:0011457.
Hereditary cancer-predisposing syndrome. Also called: Neoplastic Syndromes, Hereditary; Tumor predisposition; Hereditary Cancer Syndrome; Hereditary neoplastic syndrome. Identifiers: Orphanet 140162, MedGen C0027672, MeSH D009386, MONDO:0015356.

gnomAD v4.1: 5 of 1,612,610 alleles (0.00031%); highest among the groups gnomAD compares: Non-Finnish European, 0.00042%; no homozygotes.

Submissions (2):

Ambry Genetics
Classification: Uncertain significance for Hereditary cancer-predisposing syndrome. Last evaluated: 2025-08-02. Review status: criteria provided, single submitter. Criteria: Ambry Variant Classification Scheme 2023. Collection method: clinical testing. Allele origin: germline.
Comment: The p.D517E variant (also known as c.1551T>G), located in coding exon 13 of the MRE11A gene, results from a T to G substitution at nucleotide position 1551. The aspartic acid at codon 517 is replaced by glutamic acid, an amino acid with highly similar properties. This amino acid position is conserved. In addition, this alteration is predicted to be tolerated by in silico analysis. Since supporting evidence is limited at this time, the clinical significance of this alteration remains unclear.

Labcorp Genetics (formerly Invitae), Labcorp
Classification: Uncertain significance for Ataxia-telangiectasia-like disorder. Last evaluated: 2022-02-10. Review status: criteria provided, single submitter. Criteria: Invitae Variant Classification Sherloc (09022015). Collection method: clinical testing. Allele origin: germline.
Comment: This sequence change replaces aspartic acid, which is acidic and polar, with glutamic acid, which is acidic and polar, at codon 517 of the MRE11A protein (p.Asp517Glu). This variant is not present in population databases (gnomAD no frequency). This variant has not been reported in the literature in individuals affected with MRE11A-related conditions. ClinVar contains an entry for this variant (Variation ID: 466432). Algorithms developed to predict the effect of missense changes on protein structure and function output the following: SIFT: "Tolerated"; PolyPhen-2: "Benign"; Align-GVGD: "Class C0". The glutamic acid amino acid residue is found in multiple mammalian species, which suggests that this missense change does not adversely affect protein function. In summary, the available evidence is currently insufficient to determine the role of this variant in disease. Therefore, it has been classified as a Variant of Uncertain Significance.